The following is an entry in ClinVar:

ClinVar aggregate classification (germline): Likely benign. Review status: criteria provided, multiple submitters, no conflicts (2 of 4 stars). 2 submissions from 2 submitters: Likely benign (2). Last evaluated 2026-01-12.

Conditions:
FLG-related disorder. Also called: FLG-related disorders; FLG-related condition.

gnomAD v4.1: 672 of 1,613,382 alleles (0.042%); highest among the groups gnomAD compares: African/African-American, 0.75%; 2 homozygotes.

Submissions (2):

PreventionGenetics, part of Exact Sciences
Classification: Likely benign for FLG-related condition. Last evaluated: 2026-01-12. Review status: criteria provided, single submitter. Criteria: ACMG Guidelines, 2015. Collection method: clinical testing. Allele origin: germline.
Comment: This variant is classified as likely benign based on ACMG/AMP sequence variant interpretation guidelines (Richards et al. 2015 PMID: 25741868, with internal and published modifications).

Blueprint Genetics
Classification: Likely benign. Last evaluated: 2024-08-30. Review status: criteria provided, single submitter. Criteria: ACMG Guidelines, 2015. Collection method: clinical testing. Allele origin: germline.

NM_002016.2(FLG):c.1257T>A (p.Gly419=)

Genes: CCDST (cervical cancer associated DHX9 suppressive transcript; plus strand), FLG (filaggrin; minus strand). Cytogenetic location: 1q21.3.
Variant type: single nucleotide variant.
Coding change: c.1257T>A on transcript NM_002016.2 (MANE Select); coding-DNA position 1257, T replaced by A.
Protein change: p.Gly419=; no amino-acid change (glycine 419 retained).
Molecular consequence: synonymous variant. On other transcripts: non-coding transcript variant (1).
Genome position (GRCh38, 1-based): chr1:152,313,629, A>T on the plus strand (T>A on the coding strand, the complement: FLG is on the minus strand). VCF-style: chr1-152313629-A-T. GRCh37 (hg19) VCF-style: chr1-152286105-A-T.
Identifiers: ClinVar variation 4912364 (VCV004912364.2).